The following is an entry in ClinVar:

ClinVar aggregate classification (germline): Uncertain significance. Review status: criteria provided, multiple submitters, no conflicts (2 of 4 stars). 2 submissions from 2 submitters: Uncertain significance (2). Last evaluated 2024-09-11.

Conditions:
Hereditary cancer-predisposing syndrome. Also called: Neoplastic Syndromes, Hereditary; Hereditary neoplastic syndrome; Hereditary Cancer Syndrome; Tumor predisposition. Identifiers: Orphanet 140162, MedGen C0027672, MeSH D009386, MONDO:0015356.
DICER1-related tumor predisposition. Also called: DICER1-related pleuropulmonary blastoma cancer predisposition syndrome; DICER1 syndrome. Identifiers: Orphanet 284343, MedGen C3839822, MONDO:0100216.

Allele frequency attached by ClinVar (database versions not stated): gnomAD exomes below 0.00001 and 0.00001; ExAC 0.00001.
gnomAD v4.1: 2 of 1,614,020 alleles (0.00012%); highest among the groups gnomAD compares: Admixed American, 0.0017%; no homozygotes.

Submissions (2):

Ambry Genetics
Classification: Uncertain significance for Hereditary cancer-predisposing syndrome. Last evaluated: 2024-09-11. Review status: criteria provided, single submitter. Criteria: Ambry Variant Classification Scheme 2023. Collection method: clinical testing. Allele origin: germline.
Comment: The p.S1106Y variant (also known as c.3317C>A), located in coding exon 20 of the DICER1 gene, results from a C to A substitution at nucleotide position 3317. The serine at codon 1106 is replaced by tyrosine, an amino acid with dissimilar properties. This amino acid position is well conserved in available vertebrate species. In addition, this alteration is predicted to be tolerated by in silico analysis. Based on the available evidence, the clinical significance of this variant remains unclear.

Labcorp Genetics (formerly Invitae), Labcorp
Classification: Uncertain significance for DICER1-related tumor predisposition. Last evaluated: 2024-06-23. Review status: criteria provided, single submitter. Criteria: Invitae Variant Classification Sherloc (09022015). Collection method: clinical testing. Allele origin: germline.
Comment: This sequence change replaces serine, which is neutral and polar, with tyrosine, which is neutral and polar, at codon 1106 of the DICER1 protein (p.Ser1106Tyr). This variant is present in population databases (rs761613375, gnomAD 0.003%). This variant has not been reported in the literature in individuals affected with DICER1-related conditions. ClinVar contains an entry for this variant (Variation ID: 948585). Advanced modeling of protein sequence and biophysical properties (such as structural, functional, and spatial information, amino acid conservation, physicochemical variation, residue mobility, and thermodynamic stability) performed at Invitae indicates that this missense variant is not expected to disrupt DICER1 protein function with a negative predictive value of 80%. In summary, the available evidence is currently insufficient to determine the role of this variant in disease. Therefore, it has been classified as a Variant of Uncertain Significance.

NM_177438.3(DICER1):c.3317C>A (p.Ser1106Tyr)

Gene: DICER1 (dicer 1, ribonuclease III; minus strand). Cytogenetic location: 14q32.13.
Variant type: single nucleotide variant.
Coding change: c.3317C>A on transcript NM_177438.3 (MANE Select); coding-DNA position 3317, C replaced by A.
Protein change: p.Ser1106Tyr; replaces serine 1106 with tyrosine.
Molecular consequence: missense variant.
Genome position (GRCh38, 1-based): chr14:95,104,079, G>T on the plus strand (C>A on the coding strand, the complement: DICER1 is on the minus strand). VCF-style: chr14-95104079-G-T. GRCh37 (hg19) VCF-style: chr14-95570416-G-T.
Other names: c.3317C>A, p.Ser1106Tyr (NM_001195573.1, NM_001271282.3, NM_001291628.2 and 1 more transcripts); short protein forms S1106Y.
Identifiers: ClinVar variation 948585 (VCV000948585.12), dbSNP rs761613375, ClinGen allele CA7331057.